The following is an entry in ClinVar:

NM_031310.3(PLVAP):c.61T>G (p.Cys21Gly)

Gene: PLVAP (plasmalemma vesicle associated protein; minus strand). Cytogenetic location: 19p13.11.
Variant type: single nucleotide variant.
Coding change: c.61T>G on transcript NM_031310.3 (MANE Select); coding-DNA position 61, T replaced by G.
Protein change: p.Cys21Gly; replaces cysteine 21 with glycine.
Molecular consequence: missense variant.
Genome position (GRCh38, 1-based): chr19:17,377,228, A>C on the plus strand (T>G on the coding strand, the complement: PLVAP is on the minus strand). VCF-style: chr19-17377228-A-C. GRCh37 (hg19) VCF-style: chr19-17488037-A-C.
Other names: short protein forms C21G.
Identifiers: ClinVar variation 3702668 (VCV003702668.2).
Genomic context (GRCh38, chr19:17,377,228, plus strand): 5'-GGATGATGAGGAATTGGATGAGGGAGACGAAGAGGAAGAAGTAGCGCAGGTAATACCAGC[A>C]GCCCCGAGAGCTGCCCCCCGCCCGAGCGTAGGACCCTCCGTGCTCCATGGCCAGACCCAT-3'
Protein context (NP_112600.1, residues 11-31): YARAGGSSRG[Cys21Gly]WYYLRYFFLF

ClinVar aggregate classification (germline): Uncertain significance (1 of 4 stars; one submission).

gnomAD v4.1: 1 of 1,614,120 alleles (0.000062%); highest among the groups gnomAD compares: Non-Finnish European, 0.000085%; no homozygotes.

Submission:

Labcorp Genetics (formerly Invitae), Labcorp
Classification: Uncertain significance. Last evaluated: 2024-12-19. Review status: criteria provided, single submitter. Criteria: Invitae Variant Classification Sherloc (09022015). Collection method: clinical testing. Allele origin: germline.
Comment: This sequence change replaces cysteine, which is neutral and slightly polar, with glycine, which is neutral and non-polar, at codon 21 of the PLVAP protein (p.Cys21Gly). This variant is not present in population databases (gnomAD no frequency). This variant has not been reported in the literature in individuals affected with PLVAP-related conditions. Invitae Evidence Modeling of protein sequence and biophysical properties (such as structural, functional, and spatial information, amino acid conservation, physicochemical variation, residue mobility, and thermodynamic stability) indicates that this missense variant is expected to disrupt PLVAP protein function with a positive predictive value of 80%. In summary, the available evidence is currently insufficient to determine the role of this variant in disease. Therefore, it has been classified as a Variant of Uncertain Significance.